The following is an entry in ClinVar:

NM_000531.6(OTC):c.370C>T (p.Leu124Phe)

Gene: OTC (ornithine transcarbamylase; plus strand). Cytogenetic location: Xp11.4.
Variant type: single nucleotide variant.
Coding change: c.370C>T on transcript NM_000531.6 (MANE Select); coding-DNA position 370, C replaced by T.
Protein change: p.Leu124Phe; replaces leucine 124 with phenylalanine.
Molecular consequence: missense variant.
Genome position (GRCh38, 1-based): chrX:38,381,413, C>T. VCF-style: chrX-38381413-C-T. GRCh37 (hg19) VCF-style: chrX-38240666-C-T.
Other names: c.370C>T, p.Leu124Phe (NM_001407092.1); short protein forms L124F.
Identifiers: ClinVar variation 2996973 (VCV002996973.3), dbSNP rs2068376079, ClinGen allele CA412718546.
Genomic context (GRCh38, chrX:38,381,413, plus strand): 5'-CTGGGAGGACATCCTTGTTTTCTTACCACACAAGATATTCATTTGGGTGTGAATGAAAGT[C>T]TCACGGACACGGCCCGGTTTGTAAATATTTTCTTCTCTCCAAAGCTGATTTCAGAATCTG-3'
Protein context (NP_000522.3, residues 114-134): QDIHLGVNES[Leu124Phe]TDTARVLSSM

ClinVar aggregate classification (germline): Uncertain significance (1 of 4 stars; one submission).

Conditions:
Ornithine carbamoyltransferase deficiency (OTCD). Also called: ORNITHINE TRANSCARBAMYLASE DEFICIENCY; ORNITHINE TRANSCARBAMYLASE DEFICIENCY, HYPERAMMONEMIA DUE TO; OTC DEFICIENCY; Ornithine Carbamoyltransferase Deficiency Disease. Identifiers: Orphanet 664, MedGen C0268542, MONDO:0010703, OMIM 311250.

Allele frequency attached by ClinVar (database versions not stated): gnomAD 0.00001; TOPMed 0.00002; gnomAD exomes below 0.00001.
gnomAD v4.1: 2 of 1,185,501 alleles (0.00017%); highest among the groups gnomAD compares: Admixed American, 0.0044%; no homozygotes.

Submission:

Labcorp Genetics (formerly Invitae), Labcorp
Classification: Uncertain significance for Ornithine carbamoyltransferase deficiency. Last evaluated: 2023-09-08. Review status: criteria provided, single submitter. Criteria: Invitae Variant Classification Sherloc (09022015). Collection method: clinical testing. Allele origin: germline.
Comment: This sequence change replaces leucine, which is neutral and non-polar, with phenylalanine, which is neutral and non-polar, at codon 124 of the OTC protein (p.Leu124Phe). This variant is not present in population databases (gnomAD no frequency). This variant has not been reported in the literature in individuals affected with OTC-related conditions. Advanced modeling of protein sequence and biophysical properties (such as structural, functional, and spatial information, amino acid conservation, physicochemical variation, residue mobility, and thermodynamic stability) performed at Invitae indicates that this missense variant is expected to disrupt OTC protein function. In summary, the available evidence is currently insufficient to determine the role of this variant in disease. Therefore, it has been classified as a Variant of Uncertain Significance.